The following is an entry in ClinVar:

ClinVar aggregate classification (germline): Uncertain significance (1 of 4 stars; one submission).

Conditions:
Myoclonic dystonia 11 (DYT11). Also called: Myoclonic dystonia; Dystonia 11; Dystonia, alcohol responsive; Hereditary essential myoclonus; SGCE Myoclonus-Dystonia; Myoclonus-Dystonia. Identifiers: Orphanet 36899, MedGen C1834570, MONDO:0008044, OMIM 159900.

Allele frequency attached by ClinVar (database versions not stated): gnomAD exomes 0.00001; ExAC 0.00002.
gnomAD v4.1: 10 of 1,594,670 alleles (0.00063%); highest among the groups gnomAD compares: East Asian, 0.02%; no homozygotes.

Submission:

Labcorp Genetics (formerly Invitae), Labcorp
Classification: Uncertain significance for Myoclonic dystonia 11. Last evaluated: 2023-09-12. Review status: criteria provided, single submitter. Criteria: Invitae Variant Classification Sherloc (09022015). Collection method: clinical testing. Allele origin: germline.
Comment: In summary, the available evidence is currently insufficient to determine the role of this variant in disease. Therefore, it has been classified as a Variant of Uncertain Significance. Algorithms developed to predict the effect of missense changes on protein structure and function output the following: SIFT: "Not Available"; PolyPhen-2: "Benign"; Align-GVGD: "Not Available". The alanine amino acid residue is found in multiple mammalian species, which suggests that this missense change does not adversely affect protein function. This variant has not been reported in the literature in individuals affected with SGCE-related conditions. This variant is present in population databases (rs776313613, gnomAD 0.01%). This sequence change replaces threonine, which is neutral and polar, with alanine, which is neutral and non-polar, at codon 432 of the SGCE protein (p.Thr432Ala).

NM_003919.3(SGCE):c.1294A>G (p.Thr432Ala)

Genes: CASD1 (CAS1 domain sialic acid O acetyltransferase 1; plus strand), SGCE (sarcoglycan epsilon; minus strand). Cytogenetic location: 7q21.3.
Variant type: single nucleotide variant.
Coding change: c.1294A>G on transcript NM_003919.3 (MANE Select); coding-DNA position 1294, A replaced by G.
Protein change: p.Thr432Ala; replaces threonine 432 with alanine.
Molecular consequence: missense variant.
Genome position (GRCh38, 1-based): chr7:94,588,692, T>C on the plus strand (A>G on the coding strand, the complement: SGCE is on the minus strand). VCF-style: chr7-94588692-T-C. GRCh37 (hg19) VCF-style: chr7-94218004-T-C.
Other names: c.1171A>G, p.Thr391Ala (NM_001301139.2); c.1402A>G, p.Thr468Ala (NM_001346713.2); c.1375A>G, p.Thr459Ala (NM_001346715.2); c.1267A>G, p.Thr423Ala (NM_001346717.2, NM_001099400.2); c.1207A>G, p.Thr403Ala (NM_001346719.2); c.1021A>G, p.Thr341Ala (NM_001346720.2); c.1180A>G, p.Thr394Ala (NM_001362807.2); c.994A>G, p.Thr332Ala (NM_001362808.2); and 2 more; short protein forms T391A, T432A, T459A, T468A, T382A, T403A, T341A, T457A.
Identifiers: ClinVar variation 2969986 (VCV002969986.3), dbSNP rs776313613, ClinGen allele CA4348571.
Genomic context (GRCh38, chr7:94,588,692, plus strand): 5'-ATCTTTTAATCTATTAGATTCATTCATAAACATTAATTTATTATTCTTAGCACTCACCTG[T>C]AGTCTGCTGTTGGGGAATCTGAGTCTGATGTGGCAAGTTCCTAGAAATGATGAACATTTT-3'
Protein context (NP_003910.1, residues 422-437): HQTQIPQQQT[Thr432Ala]GKWYP